The following is an entry in ClinVar:

ClinVar aggregate classification (germline): Pathogenic (1 of 4 stars; one submission).

Conditions:
Marfan syndrome (MFS). Also called: Marfan syndrome type 1; Marfan's syndrome; FBN1-Related Marfan Syndrome; MARFAN SYNDROME, TYPE I; Marfan syndrome, classic. Identifiers: Orphanet 284963, Orphanet 558, MedGen C0024796, MONDO:0007947, OMIM 154700.

Submission:

Centre of Medical Genetics, University of Antwerp
Classification: Pathogenic for Marfan syndrome. Last evaluated: 2021-03-01. Review status: criteria provided, single submitter. Criteria: Submitter's publication. Collection method: research. Allele origin: unknown. Affected: yes. Observed: 2 variant alleles.
Comment: PM2, PVS1, PP1, PP4

GRCh37/hg19 15q21.1(chr15:48902925-48937906)

Gene: FBN1 (fibrillin 1; minus strand). Cytogenetic location: 15q21.1.
Variant type: copy number loss.
Identifiers: ClinVar variation 1325459 (VCV001325459.2).